The following is an entry in ClinVar:

NM_017999.5(RNF31):c.89C>G (p.Ser30Cys)

Gene: RNF31 (ring finger protein 31; plus strand). Cytogenetic location: 14q12.
Variant type: single nucleotide variant.
Coding change: c.89C>G on transcript NM_017999.5 (MANE Select); coding-DNA position 89, C replaced by G.
Protein change: p.Ser30Cys; replaces serine 30 with cysteine.
Molecular consequence: missense variant. On other transcripts: intron variant (1).
Genome position (GRCh38, 1-based): chr14:24,147,787, C>G. VCF-style: chr14-24147787-C-G. GRCh37 (hg19) VCF-style: chr14-24616996-C-G.
Other names: c.-325-189C>G (NM_001310332.2); short protein forms S30C.
Identifiers: ClinVar variation 3000873 (VCV003000873.3), dbSNP rs937595683, ClinGen allele CA257872114.

ClinVar aggregate classification (germline): Uncertain significance (1 of 4 stars; one submission).

Allele frequency attached by ClinVar (database versions not stated): TOPMed 0.00001.

Submission:

Labcorp Genetics (formerly Invitae), Labcorp
Classification: Uncertain significance. Last evaluated: 2023-07-16. Review status: criteria provided, single submitter. Criteria: Invitae Variant Classification Sherloc (09022015). Collection method: clinical testing. Allele origin: germline.
Comment: This sequence change replaces serine, which is neutral and polar, with cysteine, which is neutral and slightly polar, at codon 30 of the RNF31 protein (p.Ser30Cys). In summary, the available evidence is currently insufficient to determine the role of this variant in disease. Therefore, it has been classified as a Variant of Uncertain Significance. An algorithm developed to predict the effect of missense changes on protein structure and function (PolyPhen-2) suggests that this variant is likely to be disruptive. This variant has not been reported in the literature in individuals affected with RNF31-related conditions. This variant is not present in population databases (gnomAD no frequency).